The following is an entry in ClinVar:

ClinVar aggregate classification (germline): Uncertain significance. Review status: criteria provided, multiple submitters, no conflicts (2 of 4 stars). 2 submissions from 2 submitters: Uncertain significance (2). Last evaluated 2022-06-28.

Conditions:
Inborn genetic diseases. Identifiers: MedGen C0950123, MeSH D030342.

Allele frequency attached by ClinVar (database versions not stated): gnomAD exomes 0.00002; TOPMed 0.00002; ExAC 0.00003.
gnomAD v4.1: 3 of 1,613,388 alleles (0.00019%); highest among the groups gnomAD compares: Admixed American, 0.005%; no homozygotes.

Submissions (2):

Ambry Genetics
Classification: Uncertain significance for Inborn genetic diseases. Last evaluated: 2022-06-28. Review status: criteria provided, single submitter. Criteria: Ambry Variant Classification Scheme 2023. Collection method: clinical testing. Allele origin: germline.

Labcorp Genetics (formerly Invitae), Labcorp
Classification: Uncertain significance. Last evaluated: 2021-08-31. Review status: criteria provided, single submitter. Criteria: Invitae Variant Classification Sherloc (09022015). Collection method: clinical testing. Allele origin: germline.
Comment: This sequence change replaces aspartic acid with histidine at codon 1192 of the TTC37 protein (p.Asp1192His). The aspartic acid residue is weakly conserved and there is a moderate physicochemical difference between aspartic acid and histidine. This variant is present in population databases (rs755402586, ExAC 0.03%). This variant has not been reported in the literature in individuals affected with TTC37-related conditions. Algorithms developed to predict the effect of missense changes on protein structure and function are either unavailable or do not agree on the potential impact of this missense change (SIFT: "Tolerated"; PolyPhen-2: "Possibly Damaging"; Align-GVGD: "Class C0"). In summary, the available evidence is currently insufficient to determine the role of this variant in disease. Therefore, it has been classified as a Variant of Uncertain Significance.

NM_014639.4(SKIC3):c.3574G>C (p.Asp1192His)

Gene: SKIC3 (SKI3 subunit of superkiller complex; minus strand). Cytogenetic location: 5q15.
Variant type: single nucleotide variant.
Coding change: c.3574G>C on transcript NM_014639.4 (MANE Select); coding-DNA position 3574, G replaced by C.
Protein change: p.Asp1192His; replaces aspartic acid 1192 with histidine.
Molecular consequence: missense variant.
Genome position (GRCh38, 1-based): chr5:95,497,478, C>G on the plus strand (G>C on the coding strand, the complement: SKIC3 is on the minus strand). VCF-style: chr5-95497478-C-G. GRCh37 (hg19) VCF-style: chr5-94833182-C-G.
Other names: c.3574G>C (NM_014639.3); short protein forms D1192H.
Identifiers: ClinVar variation 1464896 (VCV001464896.6), dbSNP rs755402586, ClinGen allele CA3346681.